The following is an entry in ClinVar:

NM_003742.4(ABCB11):c.2287G>C (p.Ala763Pro)

Gene: ABCB11 (ATP binding cassette subfamily B member 11; minus strand). Cytogenetic location: 2q31.1.
Variant type: single nucleotide variant.
Coding change: c.2287G>C on transcript NM_003742.4 (MANE Select); coding-DNA position 2287, G replaced by C.
Protein change: p.Ala763Pro; replaces alanine 763 with proline.
Molecular consequence: missense variant.
Genome position (GRCh38, 1-based): chr2:168,958,020, C>G on the plus strand (G>C on the coding strand, the complement: ABCB11 is on the minus strand). VCF-style: chr2-168958020-C-G. GRCh37 (hg19) VCF-style: chr2-169814530-C-G.
Other names: short protein forms A763P.
Identifiers: ClinVar variation 4845951 (VCV004845951.1).
Genomic context (GRCh38, chr2:168,958,020, plus strand): 5'-TTACCCCAAGAATCTGGCTGAATAAAAAGGCATACAAGGGTGTGACTGTCCCGTTCACAG[C>G]TGCACCCACAGACCCTACCAGCATGTAGGGCCATTCTGGAGCACTGAATTTCAGAATCCT-3'
Protein context (NP_003733.2, residues 753-773): PYMLVGSVGA[Ala763Pro]VNGTVTPLYA

ClinVar aggregate classification (germline): Uncertain significance (1 of 4 stars; one submission).

Conditions:
Familial intrahepatic cholestasis. Identifiers: Orphanet 284385, MedGen CN296401, MONDO:0017290.

Submission:

Genomenon, Inc
Classification: Uncertain significance for Familial intrahepatic cholestasis. Last evaluated: 2026-04-14. Review status: criteria provided, single submitter. Criteria: Genomenon Sequence Variant Interpretation Standards - Updated. Collection method: curation. Allele origin: germline. Affected: yes.
Comment: ABCB11 p.Ala763Pro (c.2287G>C) is a missense variant that changes the amino acid at residue 763 from Alanine to Proline. This variant has been observed in at least one proband with an ABCB11-related disorder (PMID:29992621). The variant was found to segregate with disease in at least one affected family (PMID:29992621). It has been observed in trans with a pathogenic or likely pathogenic variant (PMID:29992621). It is absent or not present at a significant frequency in gnomAD. In silico models predict that this variant is possibly or probably damaging. In conclusion, we classify ABCB11 p.Ala763Pro (c.2287G>C) as a variant of uncertain significance.

Literature cited by the submitters: PubMed 29992621.